The following is an entry in ClinVar:

NM_000091.5(COL4A3):c.2255C>A (p.Pro752Gln)

Genes: COL4A3 (collagen type IV alpha 3 chain; plus strand), MFF-DT (MFF divergent transcript; minus strand). Cytogenetic location: 2q36.3.
Variant type: single nucleotide variant.
Coding change: c.2255C>A on transcript NM_000091.5 (MANE Select); coding-DNA position 2255, C replaced by A.
Protein change: p.Pro752Gln; replaces proline 752 with glutamine.
Molecular consequence: missense variant.
Genome position (GRCh38, 1-based): chr2:227,280,471, C>A. VCF-style: chr2-227280471-C-A. GRCh37 (hg19) VCF-style: chr2-228145187-C-A.
Other names: short protein forms P752Q.
Identifiers: ClinVar variation 3906471 (VCV003906471.2).
Genomic context (GRCh38, chr2:227,280,471, plus strand): 5'-ATAGTAATAACACAATTTCTATGCTGTAGGGAGAACCAGCAGTAGCCATGCCTGGAGGAC[C>A]AGGAACACCAGGTTTTCCAGGAGAAAGAGGCAATTCTGGGGAACATGGAGAAATTGGACT-3'
Protein context (NP_000082.2, residues 742-762): GEPAVAMPGG[Pro752Gln]GTPGFPGERG

ClinVar aggregate classification (germline): Uncertain significance. Review status: criteria provided, multiple submitters, no conflicts (2 of 4 stars). 2 submissions from 2 submitters: Uncertain significance (2). Last evaluated 2026-03-02.

Conditions:
Inborn genetic diseases. Identifiers: MedGen C0950123, MeSH D030342.

gnomAD v4.1: 2 of 1,614,104 alleles (0.00012%); highest among the groups gnomAD compares: Admixed American, 0.0033%; no homozygotes.

Submissions (2):

Ambry Genetics
Classification: Uncertain significance for Inborn genetic diseases. Last evaluated: 2026-03-02. Review status: criteria provided, single submitter. Criteria: Ambry Variant Classification Scheme 2023. Collection method: clinical testing. Allele origin: germline.

GeneDx
Classification: Uncertain significance. Last evaluated: 2024-12-18. Review status: criteria provided, single submitter. Criteria: GeneDx Variant Classification Process June 2021. Collection method: clinical testing. Allele origin: germline. Affected: yes.
Comment: Not observed at significant frequency in large population cohorts (gnomAD); In silico analysis indicates that this missense variant does not alter protein structure/function; Has not been previously published as pathogenic or benign to our knowledge; Occurs in the triple helical domain at the Y position in the canonical Gly-X-Y repeat; although this variant may have an effect on normal protein folding and function, missense substitution at the Y position is not a common mechanism of disease